The following is an entry in ClinVar:

NM_001348323.3(TRIP12):c.4786G>A (p.Val1596Ile)

Gene: TRIP12 (thyroid hormone receptor interactor 12; minus strand). Cytogenetic location: 2q36.3.
Variant type: single nucleotide variant.
Coding change: c.4786G>A on transcript NM_001348323.3 (MANE Select); coding-DNA position 4786, G replaced by A.
Protein change: p.Val1596Ile; replaces valine 1596 with isoleucine.
Molecular consequence: missense variant.
Genome position (GRCh38, 1-based): chr2:229,788,850, C>T on the plus strand (G>A on the coding strand, the complement: TRIP12 is on the minus strand). VCF-style: chr2-229788850-C-T. GRCh37 (hg19) VCF-style: chr2-230653566-C-T.
Other names: c.4705G>A, p.Val1569Ile (NM_001284214.2, NM_001348315.2); c.4660G>A, p.Val1554Ile (NM_001284215.2, NM_001348316.2); c.3751G>A, p.Val1251Ile (NM_001284216.2); c.4645G>A, p.Val1549Ile (NM_001348317.1, NM_001348318.2); c.4771G>A, p.Val1591Ile (NM_001348319.1, NM_001348320.2); c.4774G>A, p.Val1592Ile (NM_001348321.1); c.4786G>A, p.Val1596Ile (NM_001348322.1, NM_001348324.2, NM_001348325.2 and 2 more transcripts); c.4789G>A, p.Val1597Ile (NM_001348328.1, NM_001348329.2, NM_001348330.2); and 4 more; short protein forms V1251I, V1521I, V1522I, V1549I, V1554I, V1562I, V1569I, V1570I.
Identifiers: ClinVar variation 4057141 (VCV004057141.1).

ClinVar aggregate classification (germline): Uncertain significance (1 of 4 stars; one submission).

gnomAD v4.1: 2 of 1,613,802 alleles (0.00012%); no homozygotes.

Submission:

GeneDx
Classification: Uncertain significance. Last evaluated: 2025-01-13. Review status: criteria provided, single submitter. Criteria: GeneDx Variant Classification Process June 2021. Collection method: clinical testing. Allele origin: germline. Affected: yes.
Comment: Not observed at significant frequency in large population cohorts (gnomAD); In silico analysis indicates that this missense variant does not alter protein structure/function; Has not been previously published as pathogenic or benign to our knowledge